The following is an entry in ClinVar:

NM_001142800.2(EYS):c.2465G>A (p.Gly822Asp)

Gene: EYS (eyes shut homolog; minus strand). Cytogenetic location: 6q12.
Variant type: single nucleotide variant.
Coding change: c.2465G>A on transcript NM_001142800.2 (MANE Select); coding-DNA position 2465, G replaced by A.
Protein change: p.Gly822Asp; replaces glycine 822 with aspartic acid.
Molecular consequence: missense variant.
Genome position (GRCh38, 1-based): chr6:64,912,660, C>T on the plus strand (G>A on the coding strand, the complement: EYS is on the minus strand). VCF-style: chr6-64912660-C-T. GRCh37 (hg19) VCF-style: chr6-65622553-C-T.
Other names: c.2465G>A, p.Gly822Asp (NM_001292009.2); short protein forms G822D.
Identifiers: ClinVar variation 1001801 (VCV001001801.7), dbSNP rs1768037499, ClinGen allele CA364786454.

ClinVar aggregate classification (germline): Uncertain significance. Review status: criteria provided, single submitter (1 of 4 stars). 2 submissions from 2 submitters: Uncertain significance (1). 1 of the submissions does not count toward it. Last evaluated 2021-09-02.

Conditions:
Retinitis pigmentosa 25 (RP25). Identifiers: Orphanet 791, MedGen C1864446, MONDO:0011272, OMIM 602772.

Submissions (2):

Labcorp Genetics (formerly Invitae), Labcorp
Classification: Uncertain significance. Last evaluated: 2021-09-02. Review status: criteria provided, single submitter. Criteria: Invitae Variant Classification Sherloc (09022015). Collection method: clinical testing. Allele origin: germline.
Comment: This sequence change replaces glycine with aspartic acid at codon 822 of the EYS protein (p.Gly822Asp). The glycine residue is weakly conserved and there is a moderate physicochemical difference between glycine and aspartic acid. This variant is not present in population databases (ExAC no frequency). This variant has not been reported in the literature in individuals affected with EYS-related conditions. Algorithms developed to predict the effect of missense changes on protein structure and function are either unavailable or do not agree on the potential impact of this missense change (SIFT: "Deleterious"; PolyPhen-2: "Possibly Damaging"; Align-GVGD: "Class C15"). In summary, the available evidence is currently insufficient to determine the role of this variant in disease. Therefore, it has been classified as a Variant of Uncertain Significance.

Natera, Inc.
Classification: Uncertain significance for Retinitis pigmentosa type 25. Last evaluated: 2021-10-12. Review status: no assertion criteria provided. Collection method: clinical testing. Allele origin: germline. Not counted in ClinVar's aggregate classification.